The following is an entry in ClinVar:

NM_005251.3(FOXC2):c.930_936dup (p.Tyr313fs)

Gene: FOXC2 (forkhead box C2; plus strand). Cytogenetic location: 16q24.1.
Variant type: Microsatellite.
Coding change: c.930_936dup on transcript NM_005251.3 (MANE Select); coding-DNA positions 930 to 936, 7 bases duplicated (CGCCGCC; older notation c.930_936dupCGCCGCC).
Protein change: p.Tyr313fs; shifts the reading frame from tyrosine 313.
Molecular consequence: frameshift variant.
Genome position (GRCh38, 1-based): chr16:86,568,265-86,568,271, CGCCGCC duplicated; duplicating any 7 consecutive bases within chr16:86,568,258-86,568,271 gives the same sequence; the c. name uses the placement nearest the transcript's 3' end. VCF-style (leftmost placement, unchanged base first): chr16-86568257-G-GCGCCGCC. GRCh37 (hg19) VCF-style: chr16-86601863-G-GCGCCGCC.
Other names: c.930_936dupCGCCGCC (NM_005251.2); c.930_936dup (NM_005251.2); short protein forms Y313fs.
Identifiers: ClinVar variation 817629 (VCV000817629.6), dbSNP rs1597402926, ClinGen allele CA912996618.

ClinVar aggregate classification (germline): Pathogenic. Review status: criteria provided, multiple submitters, no conflicts (2 of 4 stars). 2 submissions from 2 submitters: Pathogenic (2). Last evaluated 2023-08-11.

Submissions (2):

GeneDx
Classification: Pathogenic. Last evaluated: 2023-08-11. Review status: criteria provided, single submitter. Criteria: GeneDx Variant Classification Process June 2021. Collection method: clinical testing. Allele origin: germline. Affected: yes.
Comment: Frameshift variant predicted to result in protein truncation, as the last 189 amino acids are replaced with 151 different amino acids, and other loss-of-function variants have been reported downstream in HGMD; In vitro studies demonstrate that this variant leads to both reduced DNA binding and reduced transcriptional activity, though the specific mechanism of disease remains unclear (Jiang et al., 2022); Not observed at significant frequency in large population cohorts (gnomAD); This variant is associated with the following publications: (PMID: 11371511, 29908552, 35716761, 24167460)

Labcorp Genetics (formerly Invitae), Labcorp
Classification: Pathogenic. Last evaluated: 2023-03-17. Review status: criteria provided, single submitter. Criteria: Invitae Variant Classification Sherloc (09022015). Collection method: clinical testing. Allele origin: germline.
Comment: ClinVar contains an entry for this variant (Variation ID: 817629). For these reasons, this variant has been classified as Pathogenic. Experimental studies have shown that this premature translational stop signal affects FOXC2 function (PMID: 35716761). Algorithms developed to predict the effect of variants on protein structure and function are not available or were not evaluated for this variant. This variant is also known as p.Tyr313ArgfsX464. This premature translational stop signal has been observed in individuals with lymphedema-distichiasis syndrome and/or primary lymphedema (PMID: 11371511, 24167460, 35716761). It has also been observed to segregate with disease in related individuals. This variant is not present in population databases (gnomAD no frequency). This sequence change creates a premature translational stop signal (p.Tyr313Argfs*152) in the FOXC2 gene. While this is not anticipated to result in nonsense mediated decay, it is expected to disrupt the last 189 amino acid(s) of the FOXC2 protein.

Literature cited by the submitters: PubMed 35716761 (cited by Labcorp Genetics (formerly Invitae), Labcorp); PubMed 11371511 (cited by Labcorp Genetics (formerly Invitae), Labcorp); PubMed 24167460 (cited by Labcorp Genetics (formerly Invitae), Labcorp).